The following is an entry in ClinVar:

NM_001349338.3(FOXP1):c.1531-9_1534dup

Gene: FOXP1 (forkhead box P1; minus strand). Cytogenetic location: 3p13.
Variant type: Duplication.
Coding change: c.1531-9_1534dup on transcript NM_001349338.3 (MANE Select); 9 bases into the intron before coding-DNA position 1531 through coding-DNA position 1534, 13 bases duplicated (TTGCTGCAGAATG).
Molecular consequence: splice acceptor variant. On other transcripts: intron variant (1).
Genome position (GRCh38, 1-based): chr3:70,972,673-70,972,685, CATTCTGCAGCAA duplicated on the plus strand (TTGCTGCAGAATG on the coding strand, the reverse complement: FOXP1 is on the minus strand). VCF-style (leftmost placement, unchanged base first): chr3-70972672-G-GCATTCTGCAGCAA. GRCh37 (hg19) VCF-style: chr3-71021823-G-GCATTCTGCAGCAA.
Other names: c.1531-505_1531-493dup (NM_001244810.2); c.1531-9_1534dup (NM_032682.6, NM_001349340.3, NM_001244816.2 and 1 more transcripts); c.1528-9_1531dup (NM_001349341.3, NM_001244808.3); c.1303-9_1306dup (NM_001244812.3); c.1228-9_1231dup (NM_001349343.3, NM_001349337.2, NM_001370548.1 and 1 more transcripts); c.1231-9_1234dup (NM_001349342.3, NM_001244815.2, NM_001244813.3).
Identifiers: ClinVar variation 986116 (VCV000986116.4), dbSNP rs2036514016, ClinGen allele CA1139658154.
Genomic context (GRCh38, chr3:70,972,672, plus strand): 5'-GCCCCTTTAACGTTTTCTACTCGCACAAAACACTTGTGAAGACTAAGATTATGACGCACT[G>GCATTCTGCAGCAA]CATTCTGCAGCAAGTATAAAAGAGAGAACATTTACATTTTCTATAAGAAAAGACTCCAAA-3'

ClinVar aggregate classification (germline): Pathogenic (1 of 4 stars; one submission).

Conditions:
Inborn genetic diseases. Identifiers: MedGen C0950123, MeSH D030342.

Submission:

Ambry Genetics
Classification: Pathogenic for Inborn genetic diseases. Last evaluated: 2021-08-06. Review status: criteria provided, single submitter. Criteria: Ambry Variant Classification Scheme 2023. Collection method: clinical testing. Allele origin: germline.
Comment: The c.1531-9_1534dup13 intronic alteration results from duplication of thirteen nucleotides between positions c.1531-9 and c.1534 and involves the canonical acceptor site before exon 18 (coding exon 13) of the FOXP1 gene. Based on data from the Genome Aggregation Database (gnomAD), the FOXP1 c.1531-9_1534dup13 alteration was not observed, with coverage at this position. RNA studies have demonstrated that this alteration results in abnormal splicing in the set of samples tested (Ambry internal data). Based on BDGP and ESEfinder splice site in silico tools, this alteration is predicted to lead to a duplication of the sequence (TTGCTGCAGAATG) between c.1534 and c.1535 which is predicted to create a premature termination codon in coding exon 13 (p.A512Vfs*9); however, direct evidence is unavailable. Based on the available evidence, this alteration is classified as pathogenic.